The following is an entry in ClinVar:

NM_030752.3(TCP1):c.220G>C (p.Val74Leu)

Gene: TCP1 (t-complex 1; minus strand). Cytogenetic location: 6q25.3.
Variant type: single nucleotide variant.
Coding change: c.220G>C on transcript NM_030752.3 (MANE Select); coding-DNA position 220, G replaced by C.
Protein change: p.Val74Leu; replaces valine 74 with leucine.
Molecular consequence: missense variant. On other transcripts: 5 prime UTR variant (1).
Genome position (GRCh38, 1-based): chr6:159,787,802, C>G on the plus strand (G>C on the coding strand, the complement: TCP1 is on the minus strand). VCF-style: chr6-159787802-C-G. GRCh37 (hg19) VCF-style: chr6-160208834-C-G.
Other names: c.-246G>C (NM_001008897.2); short protein forms V74L.
Identifiers: ClinVar variation 4529922 (VCV004529922.1).

ClinVar aggregate classification (germline): Uncertain significance (1 of 4 stars; one submission).

Submission:

GeneDx
Classification: Uncertain significance. Last evaluated: 2025-05-15. Review status: criteria provided, single submitter. Criteria: GeneDx Variant Classification Process June 2021. Collection method: clinical testing. Allele origin: germline. Affected: yes.
Comment: Not observed at significant frequency in large population cohorts (gnomAD); In silico analysis supports that this missense variant has a deleterious effect on protein structure/function; Has not been previously published as pathogenic or benign to our knowledge